The following is an entry in ClinVar:

NM_000256.3(MYBPC3):c.2816G>A (p.Arg939Gln)

Gene: MYBPC3 (myosin binding protein C3; minus strand). Cytogenetic location: 11p11.2.
Variant type: single nucleotide variant.
Coding change: c.2816G>A on transcript NM_000256.3 (MANE Select); coding-DNA position 2816, G replaced by A.
Protein change: p.Arg939Gln; replaces arginine 939 with glutamine.
Molecular consequence: missense variant.
Genome position (GRCh38, 1-based): chr11:47,335,131, C>T on the plus strand (G>A on the coding strand, the complement: MYBPC3 is on the minus strand). VCF-style: chr11-47335131-C-T. GRCh37 (hg19) VCF-style: chr11-47356682-C-T.
Other names: short protein forms R939Q.
Identifiers: ClinVar variation 1062602 (VCV001062602.12), dbSNP rs946763177, ClinGen allele CA380316400.

ClinVar aggregate classification (germline): Uncertain significance. Review status: criteria provided, multiple submitters, no conflicts (2 of 4 stars). 4 submissions from 4 submitters: Uncertain significance (4). Last evaluated 2025-04-27.

Conditions:
Hypertrophic cardiomyopathy. Also called: HYPERTROPHIC MYOCARDIOPATHY. Identifiers: Orphanet 217569, MedGen C0007194, MeSH D002312, MONDO:0005045, HP:0001639.
Cardiomyopathy (CMYO). Also called: Cardiomyopathies. Identifiers: Orphanet 167848, MedGen C0878544, MONDO:0004994, HP:0001638. Inheritance: Various modes of inheritance.
Cardiovascular phenotype. Identifiers: MedGen CN230736.

gnomAD v4.1: 21 of 1,612,532 alleles (0.0013%); highest among the groups gnomAD compares: East Asian, 0.0022%; no homozygotes.

Submissions (4):

Labcorp Genetics (formerly Invitae), Labcorp
Classification: Uncertain significance for Hypertrophic cardiomyopathy. Last evaluated: 2025-04-27. Review status: criteria provided, single submitter. Criteria: Invitae Variant Classification Sherloc (09022015). Collection method: clinical testing. Allele origin: germline.
Comment: This sequence change replaces arginine, which is basic and polar, with glutamine, which is neutral and polar, at codon 939 of the MYBPC3 protein (p.Arg939Gln). This variant is not present in population databases (gnomAD no frequency). This variant has not been reported in the literature in individuals affected with MYBPC3-related conditions. ClinVar contains an entry for this variant (Variation ID: 1062602). An algorithm developed to predict the effect of missense changes on protein structure and function (PolyPhen-2) suggests that this variant is likely to be disruptive. In summary, the available evidence is currently insufficient to determine the role of this variant in disease. Therefore, it has been classified as a Variant of Uncertain Significance.

Color Diagnostics, LLC DBA Color Health
Classification: Uncertain significance for Cardiomyopathy. Last evaluated: 2024-01-14. Review status: criteria provided, single submitter. Criteria: ACMG Guidelines, 2015. Collection method: clinical testing. Allele origin: germline.
Comment: This missense variant replaces arginine with glutamine at codon 939 of the MYBPC3 protein. Computational prediction suggests that this variant may not impact protein structure and function (internally defined REVEL score threshold <= 0.5, PMID: 27666373). To our knowledge, functional studies have not been reported for this variant. This variant has not been reported in individuals affected with MYBPC3-related disorders in the literature. This variant has not been identified in the general population by the Genome Aggregation Database (gnomAD). The available evidence is insufficient to determine the role of this variant in disease conclusively. Therefore, this variant is classified as a Variant of Uncertain Significance.

Ambry Genetics
Classification: Uncertain significance for Cardiovascular phenotype. Last evaluated: 2020-07-16. Review status: criteria provided, single submitter. Criteria: Ambry Variant Classification Scheme 2023. Collection method: clinical testing. Allele origin: germline.
Comment: The p.R939Q variant (also known as c.2816G>A), located in coding exon 27 of the MYBPC3 gene, results from a G to A substitution at nucleotide position 2816. The arginine at codon 939 is replaced by glutamine, an amino acid with highly similar properties. This amino acid position is not well conserved in available vertebrate species. In addition, this alteration is predicted to be tolerated by in silico analysis. Since supporting evidence is limited at this time, the clinical significance of this alteration remains unclear.

Blueprint Genetics
Classification: Uncertain significance. Last evaluated: 2019-12-17. Review status: criteria provided, single submitter. Criteria: ACMG Guidelines, 2015. Collection method: clinical testing. Allele origin: germline.